The following is an entry in ClinVar:

NM_033380.3(COL4A5):c.1312G>A (p.Gly438Ser)

Gene: COL4A5 (collagen type IV alpha 5 chain; plus strand). Cytogenetic location: Xq22.3.
Variant type: single nucleotide variant.
Coding change: c.1312G>A on transcript NM_033380.3 (MANE Select); coding-DNA position 1312, G replaced by A.
Protein change: p.Gly438Ser; replaces glycine 438 with serine.
Molecular consequence: missense variant.
Genome position (GRCh38, 1-based): chrX:108,591,204, G>A. VCF-style: chrX-108591204-G-A. GRCh37 (hg19) VCF-style: chrX-107834434-G-A.
Other names: c.1312G>A, p.Gly438Ser (NM_000495.5); short protein forms G438S.
Identifiers: ClinVar variation 3235208 (VCV003235208.1), dbSNP rs2147797143.

ClinVar aggregate classification (germline): Likely pathogenic (1 of 4 stars; one submission).

Conditions:
X-linked Alport syndrome (ATS1). Also called: COL4A5-Related Nephropathy; NEPHROPATHY AND DEAFNESS, X-LINKED. Identifiers: Orphanet 63, Orphanet 88917, MedGen C4746986, MONDO:0010520, OMIM 301050.

Submission:

MVZ Medizinische Genetik Mainz
Classification: Likely pathogenic for X-linked Alport syndrome. Last evaluated: 2022-12-09. Review status: criteria provided, single submitter. Criteria: UK Practice Guidelines For Variant Classification V4 01 2020. Collection method: clinical testing. Allele origin: germline. Inheritance: X-linked dominant inheritance. Affected: yes. Observed: 1 variant allele.
Comment: ACMG Criteria: PM1_STR, PM2_SUP, PP2, PP3, PP4